The following is an entry in ClinVar:

NM_030665.4(RAI1):c.449C>T (p.Ala150Val)

Gene: RAI1 (retinoic acid induced 1; plus strand). Cytogenetic location: 17p11.2.
Variant type: single nucleotide variant.
Coding change: c.449C>T on transcript NM_030665.4 (MANE Select); coding-DNA position 449, C replaced by T.
Protein change: p.Ala150Val; replaces alanine 150 with valine.
Molecular consequence: missense variant.
Genome position (GRCh38, 1-based): chr17:17,793,397, C>T. VCF-style: chr17-17793397-C-T. GRCh37 (hg19) VCF-style: chr17-17696711-C-T.
Other names: short protein forms A150V.
Identifiers: ClinVar variation 3349624 (VCV003349624.1).

ClinVar aggregate classification (germline): Uncertain significance (0 of 4 stars; one submission).

Conditions:
RAI1-related disorder. Also called: RAI1-related condition.

Submission:

PreventionGenetics, part of Exact Sciences
Classification: Uncertain significance for RAI1-related condition. Last evaluated: 2024-03-06. Review status: no assertion criteria provided. Collection method: clinical testing. Allele origin: germline.
Comment: The RAI1 c.449C>T variant is predicted to result in the amino acid substitution p.Ala150Val. To our knowledge, this variant has not been reported in the literature or in a large population database, indicating this variant is rare. At this time, the clinical significance of this variant is uncertain due to the absence of conclusive functional and genetic evidence.